The following is an entry in ClinVar:

ClinVar aggregate classification (germline): Pathogenic (1 of 4 stars; one submission).

Conditions:
Bloom syndrome (BLM). Also called: Bloom-Torre-Machacek syndrome. Identifiers: Orphanet 125, MedGen C0005859, MONDO:0008876, OMIM 210900.

Submission:

Labcorp Genetics (formerly Invitae), Labcorp
Classification: Pathogenic for Bloom syndrome. Last evaluated: 2024-06-24. Review status: criteria provided, single submitter. Criteria: Invitae Variant Classification Sherloc (09022015). Collection method: clinical testing. Allele origin: germline.
Comment: This sequence change creates a premature translational stop signal (p.Leu543*) in the BLM gene. It is expected to result in an absent or disrupted protein product. Loss-of-function variants in BLM are known to be pathogenic (PMID: 17407155). This variant is not present in population databases (gnomAD no frequency). This premature translational stop signal has been observed in individual(s) with clinical features of Bloom syndrome (PMID: 17407155). ClinVar contains an entry for this variant (Variation ID: 1076010). For these reasons, this variant has been classified as Pathogenic.

Literature cited by the submitters: PubMed 17407155.

NM_000057.4(BLM):c.1628T>G (p.Leu543Ter)

Gene: BLM (BLM RecQ like helicase; plus strand). Cytogenetic location: 15q26.1.
Variant type: single nucleotide variant.
Coding change: c.1628T>G on transcript NM_000057.4 (MANE Select); coding-DNA position 1628, T replaced by G.
Protein change: p.Leu543Ter; replaces leucine 543 with a stop codon.
Molecular consequence: nonsense.
Genome position (GRCh38, 1-based): chr15:90,761,001, T>G. VCF-style: chr15-90761001-T-G. GRCh37 (hg19) VCF-style: chr15-91304231-T-G.
Other names: c.1628T>G, p.Leu543Ter (NM_001287246.2, NM_001287247.2); c.503T>G, p.Leu168Ter (NM_001287248.2); short protein forms L168*, L543*.
Identifiers: ClinVar variation 1076010 (VCV001076010.9), dbSNP rs367543038, ClinGen allele CA393843478.